The following is an entry in ClinVar:

NM_001005242.3(PKP2):c.1379-2088A>G

Gene: PKP2 (plakophilin 2; minus strand). Cytogenetic location: 12p11.21.
Variant type: single nucleotide variant.
Coding change: c.1379-2088A>G on transcript NM_001005242.3 (MANE Select); 2088 bases into the intron before coding-DNA position 1379, A replaced by G.
Molecular consequence: intron variant. On other transcripts: missense variant (1).
Genome position (GRCh38, 1-based): chr12:32,843,293, T>C on the plus strand (A>G on the coding strand, the complement: PKP2 is on the minus strand). VCF-style: chr12-32843293-T-C. GRCh37 (hg19) VCF-style: chr12-32996227-T-C.
Other names: c.1399A>G, p.Ser467Gly (NM_004572.4); short protein forms S467G.
Identifiers: ClinVar variation 1468973 (VCV001468973.9), dbSNP rs2137838364, ClinGen allele CA384368780.

ClinVar aggregate classification (germline): Uncertain significance. Review status: criteria provided, multiple submitters, no conflicts (2 of 4 stars). 2 submissions from 2 submitters: Uncertain significance (2). Last evaluated 2024-04-16.

Conditions:
Arrhythmogenic right ventricular cardiomyopathy (ARVD). Also called: Cardiomyopathy, ARVC; Arrhythmogenic right ventricular dysplasia; Arrhythmogenic cardiomyopathy; Arrhythmogenic Right Ventricular Cardiomyopathy (ARVC). Identifiers: Orphanet 247, MedGen C0349788, MeSH D019571, MONDO:0016587. Disease mechanism: loss of function. Inheritance: Various modes of inheritance.
Arrhythmogenic right ventricular dysplasia 9 (ARVD9). Also called: Arrhythmogenic Right Ventricular Dysplasia/Cardiomyopathy 9; ARRHYTHMOGENIC RIGHT VENTRICULAR DYSPLASIA, FAMILIAL, 9. Identifiers: MedGen C1836906, MONDO:0012180, OMIM 609040.

Submissions (2):

All of Us Research Program, National Institutes of Health
Classification: Uncertain significance for Arrhythmogenic right ventricular cardiomyopathy. Last evaluated: 2024-04-16. Review status: criteria provided, single submitter. Criteria: ACMG Guidelines, 2015. Collection method: clinical testing. Allele origin: germline. Inheritance: Autosomal dominant inheritance. Observed: 1 variant allele, 1 heterozygote.
Comment: This missense variant replaces serine with glycine at codon 467 of the PKP2 protein. Computational prediction suggests that this variant may not impact protein structure and function (internally defined REVEL score threshold <= 0.5, PMID: 27666373). To our knowledge, functional studies have not been reported for this variant. This variant has not been reported in individuals affected with PKP2-related disorders in the literature. This variant has not been identified in the general population by the Genome Aggregation Database (gnomAD). The available evidence is insufficient to determine the role of this variant in disease conclusively. Therefore, this variant is classified as a Variant of Uncertain Significance.

This study involves interpretation of variants in research participants for the purpose of population health screening. Participant phenotype was not available at the time of variant classification. Additional details can be found in publication PMID: 35346344, PMCID: PMC8962531

Labcorp Genetics (formerly Invitae), Labcorp
Classification: Uncertain significance for Arrhythmogenic right ventricular dysplasia 9. Last evaluated: 2021-05-12. Review status: criteria provided, single submitter. Criteria: Invitae Variant Classification Sherloc (09022015). Collection method: clinical testing. Allele origin: germline.
Comment: This variant is not present in population databases (ExAC no frequency). This sequence change replaces serine with glycine at codon 467 of the PKP2 protein (p.Ser467Gly). The serine residue is weakly conserved and there is a small physicochemical difference between serine and glycine. This variant has not been reported in the literature in individuals with PKP2-related conditions. Algorithms developed to predict the effect of missense changes on protein structure and function output the following: SIFT: "Deleterious"; PolyPhen-2: "Benign"; Align-GVGD: "Class C0". The glycine amino acid residue is found in multiple mammalian species, suggesting that this missense change does not adversely affect protein function. These predictions have not been confirmed by published functional studies and their clinical significance is uncertain. Algorithms developed to predict the effect of sequence changes on RNA splicing suggest that this variant may create or strengthen a splice site, but this prediction has not been confirmed by published transcriptional studies. In summary, the available evidence is currently insufficient to determine the role of this variant in disease. Therefore, it has been classified as a Variant of Uncertain Significance.